The following is an entry in ClinVar:

ClinVar aggregate classification (germline): Likely pathogenic (1 of 4 stars; one submission).

Conditions:
Junctional epidermolysis bullosa. Identifiers: Orphanet 305, MedGen C0079301, MONDO:0017612.

Submission:

Myriad Genetics, Inc.
Classification: Likely pathogenic for Junctional epidermolysis bullosa. Last evaluated: 2022-02-25. Review status: criteria provided, single submitter. Criteria: Myriad Autosomal Dominant, Autosomal Recessive and X-Linked Classification Criteria (2023). Collection method: clinical testing. Allele origin: unknown.
Comment: NM_000228.2(LAMB3):c.497_498delAGinsT(Q166Lfs*19) is expected to be pathogenic in the context of junctional epidermolysis bullosa, LAMB3-related. This variant is predicted to lead to an abnormal or absent protein product due to the creation of a premature termination codon in LAMB3, a gene where loss-of-function variants are known to be pathogenic. Please note: this variant was assessed in the context of healthy population screening.

NM_000228.3(LAMB3):c.497_498delinsT (p.Gln166fs)

Gene: LAMB3 (laminin subunit beta 3; minus strand). Cytogenetic location: 1q32.2.
Variant type: Indel.
Coding change: c.497_498delinsT on transcript NM_000228.3 (MANE Select); coding-DNA positions 497 to 498, AG replaced by T.
Protein change: p.Gln166fs; shifts the reading frame from glutamine 166.
Molecular consequence: frameshift variant.
Genome position (GRCh38, 1-based): chr1:209,634,513-209,634,514, CT replaced by A on the plus strand (AG replaced by T on the coding strand, the reverse complement: LAMB3 is on the minus strand). VCF-style: chr1-209634513-CT-A. GRCh37 (hg19) VCF-style: chr1-209807858-CT-A.
Other names: c.497_498delinsT, p.Gln166fs (NM_001017402.2, NM_001127641.1); short protein forms Q166fs.
Identifiers: ClinVar variation 1724715 (VCV001724715.3), dbSNP rs2464879558, ClinGen allele CA2580061973.